The following is an entry in ClinVar:

NM_001365902.3(NFIX):c.1059del (p.Ala355fs)

Gene: NFIX (nuclear factor I X; plus strand). Cytogenetic location: 19p13.13.
Variant type: Deletion.
Coding change: c.1059del on transcript NM_001365902.3 (MANE Select); coding-DNA position 1059, one base deleted (G; older notation c.1059delG).
Protein change: p.Ala355fs; shifts the reading frame from alanine 355.
Molecular consequence: frameshift variant. On other transcripts: intron variant (1).
Genome position (GRCh38, 1-based): chr19:13,078,716, G deleted. VCF-style (leftmost placement, unchanged base first): chr19-13078715-TG-T. GRCh37 (hg19) VCF-style: chr19-13189529-TG-T.
Other names: c.918del, p.Ala308fs (NM_001365983.2); c.1056del, p.Ala354fs (NM_001365984.2, NM_001365985.2); c.1035del, p.Ala347fs (NM_001378404.1, NM_001271044.3); c.1107del, p.Ala371fs (NM_001378405.1); c.1059del, p.Ala355fs (NM_002501.4); c.956-2964del (NM_001365982.2); c.1083del, p.Ala363fs (NM_001271043.2); short protein forms A371fs, A308fs, A347fs, A354fs, A355fs, A363fs.
Identifiers: ClinVar variation 2025950 (VCV002025950.4), dbSNP rs2512965561, ClinGen allele CA2580096552.
Genomic context (GRCh38, chr19:13,078,715, plus strand): 5'-GTGCCCTCTCCTCTCAGGGCAGCTCCCCGCGCATGGCTTTCACCCACCACCCGCTGCCTG[TG>T]CTTGCTGGAGTCAGACCAGGTGAGAAATGGGGGGCCCCGGAGGGGGGCAGTTGGGGAGGT-3'

ClinVar aggregate classification (germline): Pathogenic (1 of 4 stars; one submission).

Conditions:
Marshall-Smith syndrome (MRSHSS). Identifiers: Orphanet 561, MedGen C0265211, MONDO:0011244, OMIM 602535.
Malan overgrowth syndrome (MALNS). Also called: NFIX-Related Malan Syndrome; MALAN SYNDROME; Sotos syndrome 2. Identifiers: Orphanet 420179, MedGen C3553660, MONDO:0013885, OMIM 614753.

Submission:

Labcorp Genetics (formerly Invitae), Labcorp
Classification: Pathogenic for Malan overgrowth syndrome; Marshall-Smith syndrome. Last evaluated: 2022-08-22. Review status: criteria provided, single submitter. Criteria: Invitae Variant Classification Sherloc (09022015). Collection method: clinical testing. Allele origin: germline.
Comment: This sequence change creates a premature translational stop signal (p.Ala363Leufs*46) in the NFIX gene. It is expected to result in an absent or disrupted protein product. Loss-of-function variants in NFIX are known to be pathogenic (PMID: 20673863, 20949508, 24924640, 25118028). This variant is not present in population databases (gnomAD no frequency). This variant has not been reported in the literature in individuals affected with NFIX-related conditions. For these reasons, this variant has been classified as Pathogenic.

Literature cited by the submitters: PubMed 20673863; PubMed 20949508; PubMed 24924640; PubMed 25118028.